The following is an entry in ClinVar:

NM_005228.5(EGFR):c.3471G>T (p.Trp1157Cys)

Gene: EGFR (epidermal growth factor receptor; plus strand). Cytogenetic location: 7p11.2.
Variant type: single nucleotide variant.
Coding change: c.3471G>T on transcript NM_005228.5 (MANE Select); coding-DNA position 3471, G replaced by T.
Protein change: p.Trp1157Cys; replaces tryptophan 1157 with cysteine.
Molecular consequence: missense variant.
Genome position (GRCh38, 1-based): chr7:55,205,455, G>T. VCF-style: chr7-55205455-G-T. GRCh37 (hg19) VCF-style: chr7-55273148-G-T.
Other names: c.3336G>T, p.Trp1112Cys (NM_001346899.2); c.3312G>T, p.Trp1104Cys (NM_001346900.2); c.2670G>T, p.Trp890Cys (NM_001346941.2); short protein forms W1112C, W890C, W1104C, W1157C.
Identifiers: ClinVar variation 964249 (VCV000964249.9), dbSNP rs761608448, ClinGen allele CA367584691.

ClinVar aggregate classification (germline): Uncertain significance (1 of 4 stars; one submission).

Conditions:
EGFR-related lung cancer (EGFR). Identifiers: MedGen CN130014.

gnomAD v4.1: 1 of 1,614,066 alleles (0.000062%); highest among the groups gnomAD compares: Non-Finnish European, 0.000085%; no homozygotes.

Submission:

Labcorp Genetics (formerly Invitae), Labcorp
Classification: Uncertain significance for EGFR-related lung cancer. Last evaluated: 2019-10-28. Review status: criteria provided, single submitter. Criteria: Invitae Variant Classification Sherloc (09022015). Collection method: clinical testing. Allele origin: germline.
Comment: This variant has not been reported in the literature in individuals with EGFR-related conditions. Algorithms developed to predict the effect of missense changes on protein structure and function are either unavailable or do not agree on the potential impact of this missense change (SIFT: "Deleterious"; PolyPhen-2: "Probably Damaging"; Align-GVGD: "Class C0"). In summary, the available evidence is currently insufficient to determine the role of this variant in disease. Therefore, it has been classified as a Variant of Uncertain Significance. This variant is not present in population databases (ExAC no frequency). This sequence change replaces tryptophan with cysteine at codon 1157 of the EGFR protein (p.Trp1157Cys). The tryptophan residue is moderately conserved and there is a large physicochemical difference between tryptophan and cysteine.